The following is an entry in ClinVar:

ClinVar aggregate classification (germline): Uncertain significance (1 of 4 stars; one submission).

Conditions:
Galactosylceramide beta-galactosidase deficiency. Also called: Leukodystrophy, Globoid Cell; GALACTOCEREBROSIDASE DEFICIENCY; GALC DEFICIENCY; GLOBOID CELL LEUKOENCEPHALOPATHY; Krabbe Disease. Identifiers: Orphanet 487, MedGen C0023521, MONDO:0009499, OMIM 245200.

Allele frequency attached by ClinVar (database versions not stated): TOPMed below 0.00001; ESP Exome Variant Server 0.00008.
gnomAD v4.1: 6 of 1,467,724 alleles (0.00041%); highest among the groups gnomAD compares: Non-Finnish European, 0.00054%; no homozygotes.

Submission:

Molecular Genetics, Royal Melbourne Hospital
Classification: Uncertain significance for Galactosylceramide beta-galactosidase deficiency. Last evaluated: 2022-04-22. Review status: criteria provided, single submitter. Criteria: ACMG Guidelines, 2015. Collection method: clinical testing. Allele origin: germline. Affected: yes.
Comment: This sequence change in GALC is predicted to replace histidine with aspartic acid at codon 389, p.(His389Asp). The histidine residue is moderately conserved (100 vertebrates, UCSC), and is located in the glycoside hydrolase family 59 domain. There is a moderate physicochemical difference between histidine and aspartic acid. This variant is absent from gnomAD v2.1 and v3.1. To our knowledge, this variant has not been reported in the literature in any individuals with GALC-related disease. This variant has been observed with the variant c.1896_1900del, p.(Thr633Asnfs*3) which is classified as likely pathogenic in an individual with Krabbe disease and deficient GALC enzyme activity (Royal Melbourne Hospital). Multiple lines of computational evidence predict a deleterious effect for the missense substitution (5/6 algorithms). RMH ACMG Guidelines v1.5.1, this variant is classified as a VARIANT OF UNCERTAIN SIGNIFICANCE. Following criteria are met: PM2_Supporting, PM3_Supporting, PP3, PP4.

NM_000153.4(GALC):c.1165C>G (p.His389Asp)

Gene: GALC (galactosylceramidase; minus strand). Cytogenetic location: 14q31.3.
Variant type: single nucleotide variant.
Coding change: c.1165C>G on transcript NM_000153.4 (MANE Select); coding-DNA position 1165, C replaced by G.
Protein change: p.His389Asp; replaces histidine 389 with aspartic acid.
Molecular consequence: missense variant.
Genome position (GRCh38, 1-based): chr14:87,950,745, G>C on the plus strand (C>G on the coding strand, the complement: GALC is on the minus strand). VCF-style: chr14-87950745-G-C. GRCh37 (hg19) VCF-style: chr14-88417089-G-C.
Other names: c.1096C>G, p.His366Asp (NM_001201401.2); c.1087C>G, p.His363Asp (NM_001201402.2); short protein forms H363D, H366D, H389D.
Identifiers: ClinVar variation 1678619 (VCV001678619.2), dbSNP rs368284541, ClinGen allele CA264688620.